The following is an entry in ClinVar:

ClinVar aggregate classification (germline): Uncertain significance (0 of 4 stars; one submission).

Conditions:
CRYM-related disorder. Also called: CRYM-related condition.

Submission:

PreventionGenetics, part of Exact Sciences
Classification: Uncertain significance for CRYM-related condition. Last evaluated: 2024-01-02. Review status: no assertion criteria provided. Collection method: clinical testing. Allele origin: germline.
Comment: The CRYM c.778G>C variant is predicted to result in the amino acid substitution p.Asp260His. To our knowledge, this variant has not been reported in the literature or in a large population database, indicating this variant is rare. At this time, the clinical significance of this variant is uncertain due to the absence of conclusive functional and genetic evidence.

NM_001376256.1(CRYM):c.778G>C (p.Asp260His)

Gene: CRYM (crystallin mu; minus strand). Cytogenetic location: 16p12.2.
Variant type: single nucleotide variant.
Coding change: c.778G>C on transcript NM_001376256.1 (MANE Select); coding-DNA position 778, G replaced by C.
Protein change: p.Asp260His; replaces aspartic acid 260 with histidine.
Molecular consequence: missense variant.
Genome position (GRCh38, 1-based): chr16:21,262,054, C>G on the plus strand (G>C on the coding strand, the complement: CRYM is on the minus strand). VCF-style: chr16-21262054-C-G. GRCh37 (hg19) VCF-style: chr16-21273375-C-G.
Other names: c.778G>C, p.Asp260His (NM_001888.5); short protein forms D260H.
Identifiers: ClinVar variation 3029841 (VCV003029841.2), dbSNP rs2506189645, ClinGen allele CA395061093.
Genomic context (GRCh38, chr16:21,262,054, plus strand): 5'-GCCAGCCAGGTGGCAGCCCTGACTGGGGTCAGAAGGGCCTCACCCCTGACAGCAGGACAT[C>G]TCCAGACTCCTTCAGGGCAGCCTCCTGGGAATCCACGTACAGCACAGCTTCTTTCATGAG-3'
Protein context (NP_001363185.1, residues 250-270): SQEAALKESG[Asp260His]VLLSGAEIFA